The following is an entry in ClinVar:

NM_016239.4(MYO15A):c.1691_1692dup (p.Val565fs)

Gene: MYO15A (myosin XVA; plus strand). Cytogenetic location: 17p11.2.
Variant type: Duplication.
Coding change: c.1691_1692dup on transcript NM_016239.4 (MANE Select); coding-DNA positions 1691 to 1692, 2 bases duplicated (CC; older notation c.1691_1692dupCC).
Protein change: p.Val565fs; shifts the reading frame from valine 565.
Molecular consequence: frameshift variant.
Genome position (GRCh38, 1-based): chr17:18,120,491-18,120,492, CC duplicated; duplicating any 2 consecutive bases within chr17:18,120,489-18,120,492 gives the same sequence; the c. name uses the placement nearest the transcript's 3' end. VCF-style (leftmost placement, unchanged base first): chr17-18120488-G-GCC. GRCh37 (hg19) VCF-style: chr17-18023802-G-GCC.
Other names: short protein forms V565fs.
Identifiers: ClinVar variation 3381879 (VCV003381879.2).

ClinVar aggregate classification (germline): Likely pathogenic (1 of 4 stars; one submission).

Conditions:
Autosomal recessive nonsyndromic hearing loss 3. Also called: NEUROSENSORY NONSYNDROMIC RECESSIVE DEAFNESS 3. Identifiers: Orphanet 90636, MedGen C1838263, MONDO:0010860, OMIM 600316.

Submission:

Juno Genomics, Hangzhou Juno Genomics, Inc
Classification: Likely pathogenic for Autosomal recessive nonsyndromic hearing loss 3. Review status: criteria provided, single submitter. Criteria: ACMG Guidelines, 2015. Collection method: clinical testing. Allele origin: germline. Affected: yes.
Comment: Absent from controls (or at extremely low frequency if recessive) in Genome Aggregation Database, Exome Sequencing Project, 1000 Genomes Project, or Exome Aggregation Consortium.;Null variant in a gene where loss of function (LOF) is a known mechanism of disease.